The following is an entry in ClinVar:

NM_145290.4(ADGRA3):c.1734T>A (p.Asp578Glu)

Gene: ADGRA3 (adhesion G protein-coupled receptor A3; minus strand). Cytogenetic location: 4p15.2.
Variant type: single nucleotide variant.
Coding change: c.1734T>A on transcript NM_145290.4 (MANE Select); coding-DNA position 1734, T replaced by A.
Protein change: p.Asp578Glu; replaces aspartic acid 578 with glutamic acid.
Molecular consequence: missense variant.
Genome position (GRCh38, 1-based): chr4:22,420,961, A>T on the plus strand (T>A on the coding strand, the complement: ADGRA3 is on the minus strand). VCF-style: chr4-22420961-A-T. GRCh37 (hg19) VCF-style: chr4-22422584-A-T.
Other names: short protein forms D578E.
Identifiers: ClinVar variation 1473362 (VCV001473362.8), dbSNP rs2109034980, ClinGen allele CA356480870.
Genomic context (GRCh38, chr4:22,420,961, plus strand): 5'-CGAAAATGTATTTGAAACATTGCACTTAAAGCTCAGCTGCTTATCCAGGTTTCCCTCTGG[A>T]TCCCGCCTCCCATAATCCGAAAGTCCTGTACGATCAGAGGCTGCCACTTTCTGGAACACG-3'
Protein context (NP_660333.2, residues 568-588): RTGLSDYGRR[Asp578Glu]PEGNLDKQLS

ClinVar aggregate classification (germline): Uncertain significance (1 of 4 stars; one submission).

Submission:

Labcorp Genetics (formerly Invitae), Labcorp
Classification: Uncertain significance. Last evaluated: 2024-10-25. Review status: criteria provided, single submitter. Criteria: Invitae Variant Classification Sherloc (09022015). Collection method: clinical testing. Allele origin: germline.
Comment: This sequence change replaces aspartic acid, which is acidic and polar, with glutamic acid, which is acidic and polar, at codon 578 of the ADGRA3 protein (p.Asp578Glu). This variant is not present in population databases (gnomAD no frequency). This variant has not been reported in the literature in individuals affected with ADGRA3-related conditions. ClinVar contains an entry for this variant (Variation ID: 1473362). An algorithm developed to predict the effect of missense changes on protein structure and function (PolyPhen-2) suggests that this variant is likely to be tolerated. In summary, the available evidence is currently insufficient to determine the role of this variant in disease. Therefore, it has been classified as a Variant of Uncertain Significance.